The following is an entry in ClinVar:

ClinVar aggregate classification (germline): Uncertain significance (1 of 4 stars; one submission).

Allele frequency attached by ClinVar (database versions not stated): gnomAD 0.00001; gnomAD exomes 0.00001; ExAC 0.00002; TOPMed 0.00002.
gnomAD v4.1: 19 of 1,613,416 alleles (0.0012%); highest among the groups gnomAD compares: Middle Eastern, 0.033%; no homozygotes.

Submission:

Labcorp Genetics (formerly Invitae), Labcorp
Classification: Uncertain significance. Last evaluated: 2024-01-04. Review status: criteria provided, single submitter. Criteria: Invitae Variant Classification Sherloc (09022015). Collection method: clinical testing. Allele origin: germline.
Comment: This sequence change creates a premature translational stop signal (p.Gln554*) in the CAPN5 gene. It is expected to result in an absent or disrupted protein product. However, the current clinical and genetic evidence is not sufficient to establish whether loss-of-function variants in CAPN5 cause disease. This variant is present in population databases (rs781786896, gnomAD 0.007%). This variant has not been reported in the literature in individuals affected with CAPN5-related conditions. ClinVar contains an entry for this variant (Variation ID: 1004551). In summary, the available evidence is currently insufficient to determine the role of this variant in disease. Therefore, it has been classified as a Variant of Uncertain Significance.

NM_004055.5(CAPN5):c.1660C>T (p.Gln554Ter)

Gene: CAPN5 (calpain 5; plus strand). Cytogenetic location: 11q13.5.
Variant type: single nucleotide variant.
Coding change: c.1660C>T on transcript NM_004055.5 (MANE Select); coding-DNA position 1660, C replaced by T.
Protein change: p.Gln554Ter; replaces glutamine 554 with a stop codon.
Molecular consequence: nonsense.
Genome position (GRCh38, 1-based): chr11:77,122,632, C>T. VCF-style: chr11-77122632-C-T. GRCh37 (hg19) VCF-style: chr11-76833678-C-T.
Other names: short protein forms Q554*.
Identifiers: ClinVar variation 1004551 (VCV001004551.6), dbSNP rs781786896, ClinGen allele CA6196872.